The following is an entry in ClinVar:

NM_033310.3(KCNK4):c.360C>T (p.Cys120=)

Genes: KCNK4 (potassium two pore domain channel subfamily K member 4; plus strand), KCNK4-CATSPERZ (KCNK4-CATSPERZ readthrough (NMD candidate); plus strand). Cytogenetic location: 11q13.1.
Variant type: single nucleotide variant.
Coding change: c.360C>T on transcript NM_033310.3 (MANE Select); coding-DNA position 360, C replaced by T.
Protein change: p.Cys120=; no amino-acid change (cysteine 120 retained).
Molecular consequence: synonymous variant. On other transcripts: non-coding transcript variant (3).
Genome position (GRCh38, 1-based): chr11:64,297,165, C>T. VCF-style: chr11-64297165-C-T. GRCh37 (hg19) VCF-style: chr11-64064637-C-T.
Other names: c.360C>T, p.Cys120= (NM_001317090.2); c.360C>T (NM_033310.2).
Identifiers: ClinVar variation 1621245 (VCV001621245.9), dbSNP rs537563319, ClinGen allele CA6073029.

ClinVar aggregate classification (germline): Likely benign. Review status: criteria provided, multiple submitters, no conflicts (2 of 4 stars). 2 submissions from 2 submitters: Likely benign (2). Last evaluated 2026-03-26.

Conditions:
KCNK4-related disorder. Also called: KCNK4-related condition.

Allele frequency attached by ClinVar (database versions not stated): gnomAD 0.00005 and 0.00007; TOPMed 0.00005; gnomAD exomes 0.00009 and 0.00014; ExAC 0.00017; 1000 Genomes Project 0.00020; 1000 Genomes Project 30x 0.00031.

Submissions (2):

PreventionGenetics, part of Exact Sciences
Classification: Likely benign for KCNK4-related condition. Last evaluated: 2026-03-26. Review status: criteria provided, single submitter. Criteria: ACMG Guidelines, 2015. Collection method: clinical testing. Allele origin: germline.
Comment: This variant is classified as likely benign based on ACMG/AMP sequence variant interpretation guidelines (Richards et al. 2015 PMID: 25741868, with internal and published modifications).

Labcorp Genetics (formerly Invitae), Labcorp
Classification: Likely benign. Last evaluated: 2025-12-15. Review status: criteria provided, single submitter. Criteria: Invitae Variant Classification Sherloc (09022015). Collection method: clinical testing. Allele origin: germline.